The following is an entry in ClinVar:

NM_000481.4(AMT):c.512G>A (p.Gly171Asp)

Gene: AMT (aminomethyltransferase; minus strand). Cytogenetic location: 3p21.31.
Variant type: single nucleotide variant.
Coding change: c.512G>A on transcript NM_000481.4 (MANE Select); coding-DNA position 512, G replaced by A.
Protein change: p.Gly171Asp; replaces glycine 171 with aspartic acid.
Molecular consequence: missense variant. On other transcripts: non-coding transcript variant (1).
Genome position (GRCh38, 1-based): chr3:49,419,748, C>T on the plus strand (G>A on the coding strand, the complement: AMT is on the minus strand). VCF-style: chr3-49419748-C-T. GRCh37 (hg19) VCF-style: chr3-49457181-C-T.
Other names: c.380G>A, p.Gly127Asp (NM_001164710.2); c.344G>A, p.Gly115Asp (NM_001164711.2); c.512G>A, p.Gly171Asp (NM_001164712.2); short protein forms G171D, G115D, G127D.
Identifiers: ClinVar variation 2072181 (VCV002072181.1), dbSNP rs1041776290, ClinGen allele CA74514501.

ClinVar aggregate classification (germline): Uncertain significance (1 of 4 stars; one submission).

Conditions:
Glycine encephalopathy. Also called: Nonketotic hyperglycinemia; Non-ketotic hyperglycinemia. Identifiers: Orphanet 407, MedGen C0751748, MONDO:0011612, HP:0008288.

Allele frequency attached by ClinVar (database versions not stated): gnomAD 0.00001; TOPMed 0.00001; gnomAD exomes 0.00002.
gnomAD v4.1: 26 of 1,614,056 alleles (0.0016%); highest among the groups gnomAD compares: Non-Finnish European, 0.0021%; no homozygotes.

Submission:

Labcorp Genetics (formerly Invitae), Labcorp
Classification: Uncertain significance for Glycine encephalopathy. Last evaluated: 2021-12-23. Review status: criteria provided, single submitter. Criteria: Invitae Variant Classification Sherloc (09022015). Collection method: clinical testing. Allele origin: germline.
Comment: This sequence change replaces glycine, which is neutral and non-polar, with aspartic acid, which is acidic and polar, at codon 171 of the AMT protein (p.Gly171Asp). This variant is not present in population databases (gnomAD no frequency). This variant has not been reported in the literature in individuals affected with AMT-related conditions. Advanced modeling of protein sequence and biophysical properties (such as structural, functional, and spatial information, amino acid conservation, physicochemical variation, residue mobility, and thermodynamic stability) performed at Invitae indicates that this missense variant is not expected to disrupt AMT protein function. In summary, the available evidence is currently insufficient to determine the role of this variant in disease. Therefore, it has been classified as a Variant of Uncertain Significance.